The following is an entry in ClinVar:

ClinVar aggregate classification (germline): Likely pathogenic (1 of 4 stars; one submission).

Conditions:
Nemaline myopathy. Also called: Myopathies, Nemaline. Identifiers: Orphanet 607, MedGen C0206157, MONDO:0018958.

Submission:

Laboratory for Molecular Medicine, Mass General Brigham Personalized Medicine
Classification: Likely pathogenic for Nemaline myopathy. Last evaluated: 2023-02-02. Review status: criteria provided, single submitter. Criteria: ACMG Guidelines, 2015. Collection method: clinical testing. Allele origin: germline.
Comment: The p.Gln5432X in NEB has not been previously reported in individuals with nemaline myopathy and was absent from large population studies. This nonsense variant leads to a premature termination codon at position 5432, which is predicted to lead to a truncated or absent protein. Loss of function of the NEB gene is an established disease mechanism in autosomal recessive nemaline myopathy. In summary, although additional studies are required to fully establish its clinical significance, this variant meets criteria to be classified as likely pathogenic for autosomal recessive nemaline myopathy. ACMG/AMP Criteria applied: PVS1, PM2_Supporting.

NM_001164508.2(NEB):c.16294C>T (p.Gln5432Ter)

Gene: NEB (nebulin; minus strand). Cytogenetic location: 2q23.3.
Variant type: single nucleotide variant.
Coding change: c.16294C>T on transcript NM_001164508.2 (MANE Select); coding-DNA position 16294, C replaced by T.
Protein change: p.Gln5432Ter; replaces glutamine 5432 with a stop codon.
Molecular consequence: nonsense. On other transcripts: intron variant (1).
Genome position (GRCh38, 1-based): chr2:151,580,895, G>A on the plus strand (C>T on the coding strand, the complement: NEB is on the minus strand). VCF-style: chr2-151580895-G-A. GRCh37 (hg19) VCF-style: chr2-152437409-G-A.
Other names: c.16294C>T, p.Gln5432Ter (NM_001164507.2, NM_001271208.2); c.11602-4541C>T (NM_004543.5); short protein forms Q5432*.
Identifiers: ClinVar variation 3075929 (VCV003075929.1), dbSNP rs2552207548, ClinGen allele CA348753796.